The following is an entry in ClinVar:

ClinVar aggregate classification (germline): Uncertain significance (1 of 4 stars; one submission).

Submission:

GeneDx
Classification: Uncertain significance. Last evaluated: 2021-01-05. Review status: criteria provided, single submitter. Criteria: GeneDx Variant Classification Process June 2021. Collection method: clinical testing. Allele origin: germline. Affected: yes.
Comment: Not observed in large population cohorts (Lek et al., 2016); Nonsense variant predicted to result in protein truncation, although loss-of-function variants have not been reported downstream of this position in the protein; Has not been previously published as pathogenic or benign to our knowledge

NM_006618.5(KDM5B):c.4510C>T (p.Gln1504Ter)

Gene: KDM5B (lysine demethylase 5B; minus strand). Cytogenetic location: 1q32.1.
Variant type: single nucleotide variant.
Coding change: c.4510C>T on transcript NM_006618.5 (MANE Select); coding-DNA position 4510, C replaced by T.
Protein change: p.Gln1504Ter; replaces glutamine 1504 with a stop codon.
Molecular consequence: nonsense.
Genome position (GRCh38, 1-based): chr1:202,729,161, G>A on the plus strand (C>T on the coding strand, the complement: KDM5B is on the minus strand). VCF-style: chr1-202729161-G-A. GRCh37 (hg19) VCF-style: chr1-202698289-G-A.
Other names: c.4618C>T, p.Gln1540Ter (NM_001314042.2); c.4375C>T, p.Gln1459Ter (NM_001347591.2); c.4495C>T, p.Gln1499Ter (NM_001399817.1); short protein forms Q1459*, Q1504*, Q1540*, Q1499*.
Identifiers: ClinVar variation 1196297 (VCV001196297.3), dbSNP rs2102205992, ClinGen allele CA344260232.